The following is an entry in ClinVar:

ClinVar aggregate classification (germline): Likely benign (1 of 4 stars; one submission).

Allele frequency attached by ClinVar (database versions not stated): gnomAD exomes 0.00002; ExAC 0.00003; gnomAD 0.00003; TOPMed 0.00004; ESP Exome Variant Server 0.00017.
gnomAD v4.1: 26 of 1,602,226 alleles (0.0016%); highest among the groups gnomAD compares: Middle Eastern, 0.017%; no homozygotes.

Submission:

CeGaT Center for Human Genetics Tuebingen
Classification: Likely benign. Last evaluated: 2023-08-01. Review status: criteria provided, single submitter. Criteria: CeGaT Center For Human Genetics Tuebingen Variant Classification Criteria Version 2. Collection method: clinical testing. Allele origin: germline. Affected: yes. Observed: 1 variant allele.
Comment: NBEA: BP4, BP7

NM_001385012.1(NBEA):c.5991A>G (p.Val1997=)

Gene: NBEA (neurobeachin; plus strand). Cytogenetic location: 13q13.3.
Variant type: single nucleotide variant.
Coding change: c.5991A>G on transcript NM_001385012.1 (MANE Select); coding-DNA position 5991, A replaced by G.
Protein change: p.Val1997=; no amino-acid change (valine 1997 retained).
Molecular consequence: synonymous variant.
Genome position (GRCh38, 1-based): chr13:35,349,195, A>G. VCF-style: chr13-35349195-A-G. GRCh37 (hg19) VCF-style: chr13-35923332-A-G.
Other names: c.5982A>G, p.Val1994= (NM_001379245.1); c.5991A>G, p.Val1997= (NM_015678.5).
Identifiers: ClinVar variation 2643755 (VCV002643755.24), dbSNP rs377443545, ClinGen allele CA6947206.